The following is an entry in ClinVar:

ClinVar aggregate classification (germline): Uncertain significance (1 of 4 stars; one submission).

Allele frequency attached by ClinVar (database versions not stated): TOPMed below 0.00001.

Submission:

Labcorp Genetics (formerly Invitae), Labcorp
Classification: Uncertain significance. Last evaluated: 2024-04-15. Review status: criteria provided, single submitter. Criteria: Invitae Variant Classification Sherloc (09022015). Collection method: clinical testing. Allele origin: germline.
Comment: This sequence change replaces asparagine, which is neutral and polar, with lysine, which is basic and polar, at codon 1537 of the POLR1A protein (p.Asn1537Lys). This variant is not present in population databases (gnomAD no frequency). This variant has not been reported in the literature in individuals affected with POLR1A-related conditions. ClinVar contains an entry for this variant (Variation ID: 1473622). Advanced modeling of protein sequence and biophysical properties (such as structural, functional, and spatial information, amino acid conservation, physicochemical variation, residue mobility, and thermodynamic stability) performed at Invitae indicates that this missense variant is not expected to disrupt POLR1A protein function with a negative predictive value of 80%. In summary, the available evidence is currently insufficient to determine the role of this variant in disease. Therefore, it has been classified as a Variant of Uncertain Significance.

NM_015425.6(POLR1A):c.4611C>G (p.Asn1537Lys)

Gene: POLR1A (RNA polymerase I subunit A; minus strand). Cytogenetic location: 2p11.2.
Variant type: single nucleotide variant.
Coding change: c.4611C>G on transcript NM_015425.6 (MANE Select); coding-DNA position 4611, C replaced by G.
Protein change: p.Asn1537Lys; replaces asparagine 1537 with lysine.
Molecular consequence: missense variant.
Genome position (GRCh38, 1-based): chr2:86,030,364, G>C on the plus strand (C>G on the coding strand, the complement: POLR1A is on the minus strand). VCF-style: chr2-86030364-G-C. GRCh37 (hg19) VCF-style: chr2-86257487-G-C.
Other names: short protein forms N1537K.
Identifiers: ClinVar variation 1473622 (VCV001473622.8), dbSNP rs1672363122, ClinGen allele CA347545607.